The following is an entry in ClinVar:

NM_005591.4(MRE11):c.480G>T (p.Glu160Asp)

Gene: MRE11 (MRE11 double strand break repair nuclease; minus strand). Cytogenetic location: 11q21.
Variant type: single nucleotide variant.
Coding change: c.480G>T on transcript NM_005591.4 (MANE Select); coding-DNA position 480, G replaced by T.
Protein change: p.Glu160Asp; replaces glutamic acid 160 with aspartic acid.
Molecular consequence: missense variant.
Genome position (GRCh38, 1-based): chr11:94,478,799, C>A on the plus strand (G>T on the coding strand, the complement: MRE11 is on the minus strand). VCF-style: chr11-94478799-C-A. GRCh37 (hg19) VCF-style: chr11-94211965-C-A.
Other names: c.480G>T, p.Glu160Asp (NM_001330347.2, NM_005590.4); short protein forms E160D.
Identifiers: ClinVar variation 1799670 (VCV001799670.2), dbSNP rs2496556068, ClinGen allele CA382377488.

ClinVar aggregate classification (germline): Uncertain significance (1 of 4 stars; one submission).

Conditions:
Hereditary cancer-predisposing syndrome. Also called: Neoplastic Syndromes, Hereditary; Tumor predisposition; Hereditary Cancer Syndrome; Hereditary neoplastic syndrome. Identifiers: Orphanet 140162, MedGen C0027672, MeSH D009386, MONDO:0015356.

Submission:

Ambry Genetics
Classification: Uncertain significance for Hereditary cancer-predisposing syndrome. Last evaluated: 2017-10-13. Review status: criteria provided, single submitter. Criteria: Ambry Variant Classification Scheme 2023. Collection method: clinical testing. Allele origin: germline.
Comment: The p.E160D variant (also known as c.480G>T), located in coding exon 5 of the MRE11A gene, results from a G to T substitution at nucleotide position 480. The glutamic acid at codon 160 is replaced by aspartic acid, an amino acid with highly similar properties. This amino acid position is highly conserved in available vertebrate species. In addition, this alteration is predicted to be tolerated by in silico analysis. Since supporting evidence is limited at this time, the clinical significance of this alteration remains unclear.